The following is an entry in ClinVar:

NM_007294.4(BRCA1):c.5260G>A (p.Glu1754Lys)

Gene: BRCA1 (BRCA1 DNA repair associated; minus strand). Cytogenetic location: 17q21.31.
Variant type: single nucleotide variant.
Coding change: c.5260G>A on transcript NM_007294.4 (MANE Select); coding-DNA position 5260, G replaced by A.
Protein change: p.Glu1754Lys; replaces glutamic acid 1754 with lysine.
Molecular consequence: missense variant. On other transcripts: non-coding transcript variant (1).
Genome position (GRCh38, 1-based): chr17:43,057,069, C>T on the plus strand (G>A on the coding strand, the complement: BRCA1 is on the minus strand). VCF-style: chr17-43057069-C-T. GRCh37 (hg19) VCF-style: chr17-41209086-C-T.
Other names: c.5257G>A, p.Glu1753Lys (NM_001407624.1, NM_001407625.1, NM_001407626.1 and 17 more transcripts); c.5254G>A, p.Glu1752Lys (NM_001407636.1, NM_001407637.1, NM_001407638.1 and 14 more transcripts); c.5251G>A, p.Glu1751Lys (NM_001407644.1, NM_001407645.1); c.5248G>A, p.Glu1750Lys (NM_001407646.1); c.5134G>A, p.Glu1712Lys (NM_001407677.1, NM_001407678.1, NM_001407679.1 and 10 more transcripts); c.5131G>A, p.Glu1711Lys (NM_001407681.1, NM_001407682.1, NM_001407683.1 and 6 more transcripts); c.5260G>A, p.Glu1754Lys (NM_001407684.1, NM_001407854.1, NM_001407593.1 and 7 more transcripts); c.5116G>A, p.Glu1706Lys (NM_001407741.1, NM_001407742.1, NM_001407743.1 and 21 more transcripts); and 72 more; short protein forms E1754K, E1707K, E1775K, E650K, E1457K, E1642K, E1665K, E1683K.
Identifiers: ClinVar variation 188419 (VCV000188419.12), dbSNP rs80357432, ClinGen allele CA003402.

ClinVar aggregate classification (germline): Uncertain significance (1 of 4 stars; one submission).

Conditions:
Hereditary breast ovarian cancer syndrome. Also called: Hereditary breast and ovarian cancer syndrome; Hereditary breast and ovarian cancer syndrome (HBOC); BRCA1- and BRCA2-Associated Hereditary Breast and Ovarian Cancer; Breast and ovarian cancer; Hereditary breast and ovarian cancer; Hereditary breast and/or ovarian cancer syndrome. Identifiers: Orphanet 145, MedGen C0677776, MeSH D061325, MONDO:0003582. Disease mechanism: loss of function.

Submissions (2):

Labcorp Genetics (formerly Invitae), Labcorp
Classification: Uncertain significance for Hereditary breast ovarian cancer syndrome. Last evaluated: 2025-09-21. Review status: criteria provided, single submitter. Criteria: Invitae Variant Classification Sherloc (09022015). Collection method: clinical testing. Allele origin: germline.
Comment: This sequence change replaces glutamic acid, which is acidic and polar, with lysine, which is basic and polar, at codon 1754 of the BRCA1 protein (p.Glu1754Lys). This variant is not present in population databases (gnomAD no frequency). This variant has not been reported in the literature in individuals affected with BRCA1-related conditions. ClinVar contains an entry for this variant (Variation ID: 188419). Invitae Evidence Modeling incorporating data from in vitro experimental studies (PMID: 30209399) indicates that this missense variant is not expected to disrupt BRCA1 function with a negative predictive value of 95%. Experimental studies have shown that this missense change does not substantially affect BRCA1 function (PMID: 30209399). In summary, the available evidence is currently insufficient to determine the role of this variant in disease. Therefore, it has been classified as a Variant of Uncertain Significance.

Brotman Baty Institute, University of Washington
No classification provided (evidence only). Condition: Breast-ovarian cancer, familial 1. Review status: no classification provided. Collection method: in vitro. Allele origin: not applicable. Functional consequence: functionally_normal. Not counted in ClinVar's aggregate classification.
ClinVar note: "not provided" was previously submitted as the classification for the variant. However, the classification appeared to be based only on an observation of functional data so it was converted to no classification on 2025-07-30.

Literature cited by the submitters: PubMed 30209399 (cited by Labcorp Genetics (formerly Invitae), Labcorp).